The following is an entry in ClinVar:

ClinVar aggregate classification (germline): Pathogenic/Likely pathogenic. Review status: criteria provided, multiple submitters, no conflicts (2 of 4 stars). 2 submissions from 2 submitters: Pathogenic (1); Likely pathogenic (1). Last evaluated 2025-01-17.

Conditions:
X-linked Alport syndrome (ATS1). Also called: NEPHROPATHY AND DEAFNESS, X-LINKED; COL4A5-Related Nephropathy. Identifiers: Orphanet 63, Orphanet 88917, MedGen C4746986, MONDO:0010520, OMIM 301050.

Submissions (2):

Genetics and Genomic Medicine Centre, NeuroGen Healthcare, NeuroGen Healthcare
Classification: Pathogenic for X-linked Alport syndrome. Last evaluated: 2025-01-17. Review status: criteria provided, single submitter. Criteria: ACMG Guidelines, 2015. Collection method: clinical testing. Allele origin: unknown. Affected: yes.

Myriad Genetics, Inc.
Classification: Likely pathogenic for X-linked Alport syndrome. Last evaluated: 2019-09-30. Review status: criteria provided, single submitter. Criteria: Myriad Women's Health Autosomal Recessive and X-Linked Classification Criteria (2019). Collection method: clinical testing. Allele origin: unknown.
Comment: NM_000495.4(COL4A5):c.2949T>A(Y983*) is expected to be pathogenic in the context of X-linked Alport syndrome. This variant is predicted to lead to an abnormal or absent protein product due to the creation of a premature termination codon in COL4A5, a gene where loss-of-function variants are known to be pathogenic. Please note: this variant was assessed in the context of healthy population screening.

NM_033380.3(COL4A5):c.2949T>A (p.Tyr983Ter)

Gene: COL4A5 (collagen type IV alpha 5 chain; plus strand). Cytogenetic location: Xq22.3.
Variant type: single nucleotide variant.
Coding change: c.2949T>A on transcript NM_033380.3 (MANE Select); coding-DNA position 2949, T replaced by A.
Protein change: p.Tyr983Ter; replaces tyrosine 983 with a stop codon.
Molecular consequence: nonsense.
Genome position (GRCh38, 1-based): chrX:108,624,267, T>A. VCF-style: chrX-108624267-T-A. GRCh37 (hg19) VCF-style: chrX-107867497-T-A.
Other names: c.2949T>A, p.Tyr983Ter (NM_000495.5); short protein forms Y983*.
Identifiers: ClinVar variation 983899 (VCV000983899.4), dbSNP rs2067109223, ClinGen allele CA413853272.
Genomic context (GRCh38, chrX:108,624,267, plus strand): 5'-AACTTGCCTCTTCTACTCATTCTTGGAAGGTATACCTGGAGTTTCAGGGCCAAAAGGTTA[T>A]CAGGGTTTGCCTGGAGACCCAGGGCAACCTGGACTGAGTGGACAACCTGGATTACCAGGA-3'